The following is an entry in ClinVar:

NM_015089.4(CUL9):c.6902C>T (p.Thr2301Ile)

Gene: CUL9 (cullin 9; plus strand). Cytogenetic location: 6p21.1.
Variant type: single nucleotide variant.
Coding change: c.6902C>T on transcript NM_015089.4 (MANE Select); coding-DNA position 6902, C replaced by T.
Protein change: p.Thr2301Ile; replaces threonine 2301 with isoleucine.
Molecular consequence: missense variant.
Genome position (GRCh38, 1-based): chr6:43,222,371, C>T. VCF-style: chr6-43222371-C-T. GRCh37 (hg19) VCF-style: chr6-43190109-C-T.
Other names: short protein forms T2301I.
Identifiers: ClinVar variation 2633715 (VCV002633715.1), dbSNP rs2533939367, ClinGen allele CA364181485.

ClinVar aggregate classification (germline): Uncertain significance (1 of 4 stars; one submission).

Conditions:
CUL9-related disorder. Also called: CUL9-related condition.

Allele frequency attached by ClinVar (database versions not stated): gnomAD exomes below 0.00001.
gnomAD v4.1: 1 of 1,608,436 alleles (0.000062%); highest among the groups gnomAD compares: Non-Finnish European, 0.000085%; no homozygotes.

Submission:

PreventionGenetics, part of Exact Sciences
Classification: Uncertain significance for CUL9-related condition. Last evaluated: 2023-04-13. Review status: criteria provided, single submitter. Criteria: ACMG Guidelines, 2015. Collection method: clinical testing. Allele origin: germline.
Comment: The CUL9 c.6902C>T variant is predicted to result in the amino acid substitution p.Thr2301Ile. To our knowledge, this variant has not been reported in the literature or in a large population database, indicating this variant is rare. At this time, the clinical significance of this variant is uncertain due to the absence of conclusive functional and genetic evidence.